The following is an entry in ClinVar:

ClinVar aggregate classification (germline): Uncertain significance (1 of 4 stars; one submission).

Allele frequency attached by ClinVar (database versions not stated): gnomAD 0.00002 and 0.00003; TOPMed 0.00003.
gnomAD v4.1: 5 of 1,614,042 alleles (0.00031%); highest among the groups gnomAD compares: African/African-American, 0.0027%; no homozygotes.

Submission:

GeneDx
Classification: Uncertain significance. Last evaluated: 2022-04-01. Review status: criteria provided, single submitter. Criteria: GeneDx Variant Classification Process June 2021. Collection method: clinical testing. Allele origin: germline. Affected: yes.
Comment: Not observed in large population cohorts (gnomAD); In silico analysis supports that this missense variant does not alter protein structure/function; Occurs in the triple helical domain at the X position in the canonical Gly-X-Y repeat; although this variant may have an effect on normal protein folding and function, missense substitution at the X position is not a common mechanism of disease; Has not been previously published as pathogenic or benign to our knowledge

NM_000091.5(COL4A3):c.3986C>G (p.Ser1329Cys)

Genes: COL4A3 (collagen type IV alpha 3 chain; plus strand), MFF-DT (MFF divergent transcript; minus strand). Cytogenetic location: 2q36.3.
Variant type: single nucleotide variant.
Coding change: c.3986C>G on transcript NM_000091.5 (MANE Select); coding-DNA position 3986, C replaced by G.
Protein change: p.Ser1329Cys; replaces serine 1329 with cysteine.
Molecular consequence: missense variant.
Genome position (GRCh38, 1-based): chr2:227,303,889, C>G. VCF-style: chr2-227303889-C-G. GRCh37 (hg19) VCF-style: chr2-228168605-C-G.
Other names: short protein forms S1329C.
Identifiers: ClinVar variation 1303767 (VCV001303767.3), dbSNP rs1390815554, ClinGen allele CA350862523.